The following is an entry in ClinVar:

NC_000019.9:g.(?_11136088)_(11172492_?)dup

Gene: SMARCA4 (SWI/SNF related BAF chromatin remodeling complex subunit ATPase 4; plus strand). Cytogenetic location: 19p13.2.
Variant type: Duplication.
Identifiers: ClinVar variation 1041511 (VCV001041511.4).

ClinVar aggregate classification (germline): Uncertain significance (1 of 4 stars; one submission).

Conditions:
Rhabdoid tumor predisposition syndrome 2 (RTPS2). Identifiers: Orphanet 231108, Orphanet 69077, MedGen C2750074, MONDO:0013224, OMIM 613325.

Submission:

Labcorp Genetics (formerly Invitae), Labcorp
Classification: Uncertain significance for Rhabdoid tumor predisposition syndrome 2. Last evaluated: 2020-01-11. Review status: criteria provided, single submitter. Criteria: Invitae Variant Classification Sherloc (09022015). Collection method: clinical testing. Allele origin: germline.
Comment: This variant results in a copy number gain of the genomic region encompassing exons 22-36 of the SMARCA4 gene. The 5' boundary is likely confined to intron 21. The 3' end of this event is unknown as it extends beyond the assayed region for this gene and therefore may encompass additional genes. As the precise location of this event is unknown, it may be in tandem or it may be located elsewhere in the genome. This variant has not been reported in the literature in individuals with SMARCA4-related conditions. In summary, the available evidence is currently insufficient to determine the role of this variant in disease. Therefore, it has been classified as a Variant of Uncertain Significance.